The following is an entry in ClinVar:

NM_001005373.4(LRSAM1):c.1141C>T (p.Arg381Trp)

Gene: LRSAM1 (leucine rich repeat and sterile alpha motif containing 1; plus strand). Cytogenetic location: 9q33.3.
Variant type: single nucleotide variant.
Coding change: c.1141C>T on transcript NM_001005373.4 (MANE Select); coding-DNA position 1141, C replaced by T.
Protein change: p.Arg381Trp; replaces arginine 381 with tryptophan.
Molecular consequence: missense variant. On other transcripts: non-coding transcript variant (2).
Genome position (GRCh38, 1-based): chr9:127,483,002, C>T. VCF-style: chr9-127483002-C-T. GRCh37 (hg19) VCF-style: chr9-130245281-C-T.
Other names: c.1141C>T, p.Arg381Trp (NM_001005374.4, NM_001190723.3, NM_001384142.1 and 2 more transcripts); c.352C>T, p.Arg118Trp (NM_001384144.1); c.1141C>T (NM_138361.4); short protein forms R381W, R118W.
Identifiers: ClinVar variation 914383 (VCV000914383.13), dbSNP rs763390117, ClinGen allele CA5246851.

ClinVar aggregate classification (germline): Conflicting classifications of pathogenicity. Review status: criteria provided, conflicting classifications (1 of 4 stars). 4 submissions from 4 submitters: Uncertain significance (3); Likely benign (1). Last evaluated 2025-10-23.

Conditions:
Charcot-Marie-Tooth disease axonal type 2P. Also called: CHARCOT-MARIE-TOOTH DISEASE, AXONAL, TYPE 2G; CMT 2G; Charcot-Marie-Tooth Neuropathy Type 2G; CHARCOT-MARIE-TOOTH NEUROPATHY, TYPE 2P. Identifiers: Orphanet 300319, Orphanet 99941, MedGen C3280797, MONDO:0013753, OMIM 614436.
Inborn genetic diseases. Identifiers: MedGen C0950123, MeSH D030342.

Allele frequency attached by ClinVar (database versions not stated): gnomAD exomes 0.00002 and 0.00007; gnomAD 0.00003 and 0.00004; TOPMed 0.00006; ExAC 0.00013.
gnomAD v4.1: 32 of 1,592,850 alleles (0.002%); highest among the groups gnomAD compares: Admixed American, 0.018%; no homozygotes.

Submissions (4):

Labcorp Genetics (formerly Invitae), Labcorp
Classification: Uncertain significance for Charcot-Marie-Tooth disease axonal type 2P. Last evaluated: 2025-10-23. Review status: criteria provided, single submitter. Criteria: Invitae Variant Classification Sherloc (09022015). Collection method: clinical testing. Allele origin: germline.
Comment: This sequence change replaces arginine, which is basic and polar, with tryptophan, which is neutral and slightly polar, at codon 381 of the LRSAM1 protein (p.Arg381Trp). The frequency data for this variant in the population databases is considered unreliable, as metrics indicate poor data quality at this position in the gnomAD database. This variant has not been reported in the literature in individuals affected with LRSAM1-related conditions. ClinVar contains an entry for this variant (Variation ID: 914383). Invitae Evidence Modeling of protein sequence and biophysical properties (such as structural, functional, and spatial information, amino acid conservation, physicochemical variation, residue mobility, and thermodynamic stability) indicates that this missense variant is expected to disrupt LRSAM1 protein function with a positive predictive value of 80%. In summary, the available evidence is currently insufficient to determine the role of this variant in disease. Therefore, it has been classified as a Variant of Uncertain Significance.

Ambry Genetics
Classification: Uncertain significance for Inborn genetic diseases. Last evaluated: 2024-11-07. Review status: criteria provided, single submitter. Criteria: Ambry Variant Classification Scheme 2023. Collection method: clinical testing. Allele origin: germline.

Blueprint Genetics
Classification: Uncertain significance. Last evaluated: 2024-06-11. Review status: criteria provided, single submitter. Criteria: ACMG Guidelines, 2015. Collection method: clinical testing. Allele origin: germline.

Illumina Laboratory Services, Illumina
Classification: Likely benign for Charcot-Marie-Tooth disease axonal type 2P. Last evaluated: 2018-01-13. Review status: criteria provided, single submitter. Criteria: ICSL Variant Classification Criteria 13 December 2019. Collection method: clinical testing. Allele origin: germline.
Comment: This variant was observed in the ICSL laboratory as part of a predisposition screen in an ostensibly healthy population. It had not been previously curated by ICSL or reported in the Human Gene Mutation Database (HGMD: prior to June 1st, 2018), and was therefore a candidate for classification through an automated scoring system. Utilizing variant allele frequency, disease prevalence and penetrance estimates, and inheritance mode, an automated score was calculated to assess if this variant is too frequent to cause the disease. Based on the score and internal cut-off values, a variant classified as likely benign is not then subjected to further curation. The score for this variant resulted in a classification of likely benign for this disease.